The following is an entry in ClinVar:

ClinVar aggregate classification (germline): Uncertain significance. Review status: criteria provided, single submitter (1 of 4 stars). 2 submissions from 2 submitters: Uncertain significance (1). 1 of the submissions does not count toward it. Last evaluated 2022-06-23.

Conditions:
Joubert syndrome. Also called: CEREBELLOPARENCHYMAL DISORDER IV; JOUBERT-BOLTSHAUSER SYNDROME; Familial aplasia of the vermis. Identifiers: Orphanet 475, MedGen C5979921, MONDO:0018772.
Nephronophthisis. Also called: Juvenile Nephronophthisis. Identifiers: Orphanet 655, MedGen C0687120, MONDO:0019005, HP:0000090.
Meckel-Gruber syndrome. Also called: DYSENCEPHALIA SPLANCHNOCYSTICA; GRUBER SYNDROME; Dysencephalia splachnocystica. Identifiers: Orphanet 564, MedGen C0265215, MONDO:0018921.
CEP290-related disorder. Also called: CEP290-related condition; CEP290-related disorders. Identifiers: MedGen CN239314.

Allele frequency attached by ClinVar (database versions not stated): gnomAD 0.00001; gnomAD exomes 0.00001.
gnomAD v4.1: 16 of 1,538,424 alleles (0.001%); highest among the groups gnomAD compares: Non-Finnish European, 0.0014%; no homozygotes.

Submissions (2):

Labcorp Genetics (formerly Invitae), Labcorp
Classification: Uncertain significance for Joubert syndrome; Meckel-Gruber syndrome; Nephronophthisis. Last evaluated: 2022-06-23. Review status: criteria provided, single submitter. Criteria: Invitae Variant Classification Sherloc (09022015). Collection method: clinical testing. Allele origin: germline.
Comment: In summary, the available evidence is currently insufficient to determine the role of this variant in disease. Therefore, it has been classified as a Variant of Uncertain Significance. Algorithms developed to predict the effect of missense changes on protein structure and function are either unavailable or do not agree on the potential impact of this missense change (SIFT: "Deleterious"; PolyPhen-2: "Probably Damaging"; Align-GVGD: "Class C0"). This variant has not been reported in the literature in individuals affected with CEP290-related conditions. This variant is not present in population databases (gnomAD no frequency). This sequence change replaces alanine, which is neutral and non-polar, with glutamic acid, which is acidic and polar, at codon 2154 of the CEP290 protein (p.Ala2154Glu).

PreventionGenetics, part of Exact Sciences
Classification: Uncertain significance for CEP290-related condition. Last evaluated: 2024-01-18. Review status: no assertion criteria provided. Collection method: clinical testing. Allele origin: germline. Not counted in ClinVar's aggregate classification.
Comment: The CEP290 c.6461C>A variant is predicted to result in the amino acid substitution p.Ala2154Glu. To our knowledge, this variant has not been reported in the literature. This variant is reported in 0.0016% of alleles in individuals of European (Non-Finnish) descent in gnomAD. At this time, the clinical significance of this variant is uncertain due to the absence of conclusive functional and genetic evidence.

NM_025114.4(CEP290):c.6461C>A (p.Ala2154Glu)

Gene: CEP290 (centrosomal protein 290; minus strand). Cytogenetic location: 12q21.32.
Variant type: single nucleotide variant.
Coding change: c.6461C>A on transcript NM_025114.4 (MANE Select); coding-DNA position 6461, C replaced by A.
Protein change: p.Ala2154Glu; replaces alanine 2154 with glutamic acid.
Molecular consequence: missense variant.
Genome position (GRCh38, 1-based): chr12:88,060,891, G>T on the plus strand (C>A on the coding strand, the complement: CEP290 is on the minus strand). VCF-style: chr12-88060891-G-T. GRCh37 (hg19) VCF-style: chr12-88454668-G-T.
Other names: c.6461C>A (NM_025114.3); short protein forms A2154E.
Identifiers: ClinVar variation 2173686 (VCV002173686.5), dbSNP rs759220460, ClinGen allele CA241147775.